The following is an entry in ClinVar:

ClinVar aggregate classification (germline): Uncertain significance (1 of 4 stars; one submission).

Submission:

Ambry Genetics
Classification: Uncertain significance. Last evaluated: 2021-10-12. Review status: criteria provided, single submitter. Criteria: Ambry Variant Classification Scheme 2023. Collection method: clinical testing. Allele origin: germline.
Comment: The p.N339T variant (also known as c.1016A>C), located in coding exon 12 of the NPAT gene, results from an A to C substitution at nucleotide position 1016. The asparagine at codon 339 is replaced by threonine, an amino acid with similar properties. This amino acid position is conserved. In addition, this alteration is predicted to be tolerated by in silico analysis. Since supporting evidence is limited at this time, the clinical significance of this alteration remains unclear.

NM_002519.3(NPAT):c.1016A>C (p.Asn339Thr)

Gene: NPAT (nuclear protein, coactivator of histone transcription; minus strand). Cytogenetic location: 11q22.3.
Variant type: single nucleotide variant.
Coding change: c.1016A>C on transcript NM_002519.3 (MANE Select); coding-DNA position 1016, A replaced by C.
Protein change: p.Asn339Thr; replaces asparagine 339 with threonine.
Molecular consequence: missense variant.
Genome position (GRCh38, 1-based): chr11:108,176,362, T>G on the plus strand (A>C on the coding strand, the complement: NPAT is on the minus strand). VCF-style: chr11-108176362-T-G. GRCh37 (hg19) VCF-style: chr11-108047089-T-G.
Other names: c.1016A>C, p.Asn339Thr (NM_001321307.1); short protein forms N339T.
Identifiers: ClinVar variation 1744062 (VCV001744062.2), dbSNP rs769878999, ClinGen allele CA382517014.